The following is an entry in ClinVar:

ClinVar aggregate classification (germline): Uncertain significance. Review status: criteria provided, multiple submitters, no conflicts (2 of 4 stars). 2 submissions from 2 submitters: Uncertain significance (2). Last evaluated 2026-09-25.

Conditions:
DSG3-related condition.

gnomAD v4.1: 51 of 1,613,956 alleles (0.0032%); highest among the groups gnomAD compares: Non-Finnish European, 0.0042%; no homozygotes.

Submissions (2):

PreventionGenetics, part of Exact Sciences
Classification: Uncertain significance for DSG3-related condition. Last evaluated: 2026-09-25. Review status: criteria provided, single submitter. Criteria: ACMG Guidelines, 2015. Collection method: clinical testing. Allele origin: germline.
Comment: The DSG3 c.295A>G variant is predicted to result in the amino acid substitution p.Ile99Val. To our knowledge, this variant has not been reported in the literature. This variant is reported in 0.0044% of alleles in individuals of European (Non-Finnish) descent in gnomAD. At this time, the clinical significance of this variant is uncertain due to the absence of conclusive functional and genetic evidence.

Ambry Genetics
Classification: Uncertain significance. Last evaluated: 2025-01-24. Review status: criteria provided, single submitter. Criteria: Ambry Variant Classification Scheme 2023. Collection method: clinical testing. Allele origin: germline.

NM_001944.3(DSG3):c.295A>G (p.Ile99Val)

Gene: DSG3 (desmoglein 3; plus strand). Cytogenetic location: 18q12.1.
Variant type: single nucleotide variant.
Coding change: c.295A>G on transcript NM_001944.3 (MANE Select); coding-DNA position 295, A replaced by G.
Protein change: p.Ile99Val; replaces isoleucine 99 with valine.
Molecular consequence: missense variant.
Genome position (GRCh38, 1-based): chr18:31,458,523, A>G. VCF-style: chr18-31458523-A-G. GRCh37 (hg19) VCF-style: chr18-29038486-A-G.
Other names: short protein forms I99V.
Identifiers: ClinVar variation 3842637 (VCV003842637.2).
Genomic context (GRCh38, chr18:31,458,523, plus strand): 5'-GCAACCCAGAAAATCACCTACCGAATCTCTGGAGTGGGAATCGATCAGCCGCCTTTTGGA[A>G]TCTTTGTTGTTGACAAAAACACTGGAGATATTAACATAACAGCTATAGTCGACCGGGAGG-3'
Protein context (NP_001935.2, residues 89-109): GVGIDQPPFG[Ile99Val]FVVDKNTGDI